The following is an entry in ClinVar:

ClinVar aggregate classification (germline): Pathogenic/Likely pathogenic. Review status: criteria provided, multiple submitters, no conflicts (2 of 4 stars). 3 submissions from 3 submitters: Pathogenic (2); Likely pathogenic (1). Last evaluated 2024-10-29.

Conditions:
Fanconi anemia (FA). Also called: Fanconi's anemia. Identifiers: Orphanet 84, MedGen C0015625, MeSH D005199, MONDO:0019391.
Fanconi anemia complementation group P. Also called: SLX4-Related Fanconi Anemia. Identifiers: Orphanet 84, MedGen C3469542, MONDO:0013499, OMIM 613951.

Submissions (3):

Labcorp Genetics (formerly Invitae), Labcorp
Classification: Pathogenic for Fanconi anemia. Last evaluated: 2024-10-29. Review status: criteria provided, single submitter. Criteria: Invitae Variant Classification Sherloc (09022015). Collection method: clinical testing. Allele origin: germline.
Comment: This sequence change creates a premature translational stop signal (p.Pro1207Serfs*73) in the SLX4 gene. It is expected to result in an absent or disrupted protein product. Loss-of-function variants in SLX4 are known to be pathogenic (PMID: 21240277). This variant is present in population databases (no rsID available, gnomAD 0.0009%). This variant has not been reported in the literature in individuals affected with SLX4-related conditions. ClinVar contains an entry for this variant (Variation ID: 1675611). For these reasons, this variant has been classified as Pathogenic.

Fulgent Genetics
Classification: Likely pathogenic for Fanconi anemia complementation group P. Last evaluated: 2024-05-03. Review status: criteria provided, single submitter. Criteria: ACMG Guidelines, 2015. Collection method: clinical testing. Allele origin: germline.

CeGaT Center for Human Genetics Tuebingen
Classification: Pathogenic. Last evaluated: 2022-07-01. Review status: criteria provided, single submitter. Criteria: CeGaT Center For Human Genetics Tuebingen Variant Classification Criteria Version 2. Collection method: clinical testing. Allele origin: germline. Affected: yes. Observed: 2 variant alleles.
Comment: SLX4: PVS1, PM2

Literature cited by the submitters: PubMed 21240277 (cited by Labcorp Genetics (formerly Invitae), Labcorp).

NM_032444.4(SLX4):c.3619_3643del (p.Pro1207fs)

Gene: SLX4 (SLX4 structure-specific endonuclease subunit; minus strand). Cytogenetic location: 16p13.3.
Variant type: Deletion.
Coding change: c.3619_3643del on transcript NM_032444.4 (MANE Select); coding-DNA positions 3619 to 3643, 25 bases deleted (CCACCAAGAAGCGAAGCTGTGCTGC).
Protein change: p.Pro1207fs; shifts the reading frame from proline 1207.
Molecular consequence: frameshift variant.
Genome position (GRCh38, 1-based): chr16:3,589,995-3,590,019, GCAGCACAGCTTCGCTTCTTGGTGG deleted on the plus strand (CCACCAAGAAGCGAAGCTGTGCTGC on the coding strand, the reverse complement: SLX4 is on the minus strand); deleting any 25 consecutive bases within chr16:3,589,995-3,590,021 gives the same sequence; the c. name uses the placement nearest the transcript's 3' end. VCF-style (leftmost placement, unchanged base first): chr16-3589994-TGCAGCACAGCTTCGCTTCTTGGTGG-T. GRCh37 (hg19) VCF-style: chr16-3639995-TGCAGCACAGCTTCGCTTCTTGGTGG-T.
Other names: short protein forms P1207fs.
Identifiers: ClinVar variation 1675611 (VCV001675611.39), dbSNP rs1440022090, ClinGen allele CA620713997.